The following is an entry in ClinVar:

NM_033026.6(PCLO):c.7102G>C (p.Gly2368Arg)

Gene: PCLO (piccolo presynaptic cytomatrix protein; minus strand). Cytogenetic location: 7q21.11.
Variant type: single nucleotide variant.
Coding change: c.7102G>C on transcript NM_033026.6 (MANE Select); coding-DNA position 7102, G replaced by C.
Protein change: p.Gly2368Arg; replaces glycine 2368 with arginine.
Molecular consequence: missense variant.
Genome position (GRCh38, 1-based): chr7:82,953,851, C>G on the plus strand (G>C on the coding strand, the complement: PCLO is on the minus strand). VCF-style: chr7-82953851-C-G. GRCh37 (hg19) VCF-style: chr7-82583167-C-G.
Other names: c.7102G>C, p.Gly2368Arg (NM_014510.3); c.7102G>C (NM_033026.5); short protein forms G2368R.
Identifiers: ClinVar variation 1401305 (VCV001401305.5), dbSNP rs190124624, ClinGen allele CA4320359.

ClinVar aggregate classification (germline): Uncertain significance. Review status: criteria provided, multiple submitters, no conflicts (2 of 4 stars). 2 submissions from 2 submitters: Uncertain significance (2). Last evaluated 2025-08-30.

Conditions:
Inborn genetic diseases. Identifiers: MedGen C0950123, MeSH D030342.

Allele frequency attached by ClinVar (database versions not stated): gnomAD exomes 0.00003 and 0.00005; ExAC 0.00006; ESP Exome Variant Server 0.00017; gnomAD 0.00019; TOPMed 0.00022; 1000 Genomes Project 0.00060; 1000 Genomes Project 30x 0.00062.
gnomAD v4.1: 75 of 1,613,418 alleles (0.0046%); highest among the groups gnomAD compares: African/African-American, 0.092%; no homozygotes.

Submissions (2):

Ambry Genetics
Classification: Uncertain significance for Inborn genetic diseases. Last evaluated: 2025-08-30. Review status: criteria provided, single submitter. Criteria: Ambry Variant Classification Scheme 2023. Collection method: clinical testing. Allele origin: germline.

Labcorp Genetics (formerly Invitae), Labcorp
Classification: Uncertain significance. Last evaluated: 2022-08-15. Review status: criteria provided, single submitter. Criteria: Invitae Variant Classification Sherloc (09022015). Collection method: clinical testing. Allele origin: germline.
Comment: This sequence change replaces glycine, which is neutral and non-polar, with arginine, which is basic and polar, at codon 2368 of the PCLO protein (p.Gly2368Arg). This variant is present in population databases (rs190124624, gnomAD 0.07%). This variant has not been reported in the literature in individuals affected with PCLO-related conditions. ClinVar contains an entry for this variant (Variation ID: 1401305). Algorithms developed to predict the effect of missense changes on protein structure and function are either unavailable or do not agree on the potential impact of this missense change (SIFT: "Tolerated"; PolyPhen-2: "Not Available"; Align-GVGD: "Class C0"). In summary, the available evidence is currently insufficient to determine the role of this variant in disease. Therefore, it has been classified as a Variant of Uncertain Significance.